The following is an entry in ClinVar:

ClinVar aggregate classification (germline): Uncertain significance (1 of 4 stars; one submission).

Conditions:
DNMT3A-related disorder. Also called: DNMT3A-related disorders; DNMT3A-related condition.

gnomAD v4.1: 134 of 1,614,012 alleles (0.0083%); highest among the groups gnomAD compares: Non-Finnish European, 0.011%; no homozygotes.

Submission:

PreventionGenetics, part of Exact Sciences
Classification: Uncertain significance for DNMT3A-related condition. Last evaluated: 2026-07-26. Review status: criteria provided, single submitter. Criteria: ACMG Guidelines, 2015. Collection method: clinical testing. Allele origin: germline.
Comment: The DNMT3A c.46C>T variant is predicted to result in the amino acid substitution p.Arg16Cys. This variant corresponds to a deep intronic position in the primary transcript for this gene (NM_175629.2:c.640-1431C>T). To our knowledge, this variant has not been reported in the literature. This variant is reported in 0.0077% of alleles in individuals of European (Non-Finnish) descent in gnomAD. At this time, the clinical significance of this variant is uncertain due to the absence of conclusive functional and genetic evidence.

NM_022552.5(DNMT3A):c.640-1431C>T

Gene: DNMT3A (DNA methyltransferase 3 alpha; minus strand). Cytogenetic location: 2p23.3.
Variant type: single nucleotide variant.
Coding change: c.640-1431C>T on transcript NM_022552.5 (MANE Select); 1431 bases into the intron before coding-DNA position 640, C replaced by T.
Molecular consequence: intron variant. On other transcripts: missense variant (1).
Genome position (GRCh38, 1-based): chr2:25,249,683, G>A on the plus strand (C>T on the coding strand, the complement: DNMT3A is on the minus strand). VCF-style: chr2-25249683-G-A. GRCh37 (hg19) VCF-style: chr2-25472552-G-A.
Other names: c.46C>T, p.Arg16Cys (NM_153759.3); c.640-1431C>T (NM_175629.2); c.184-1431C>T (NM_001320893.1); c.-30-1431C>T (NM_001375819.1); short protein forms R16C.
Identifiers: ClinVar variation 4996167 (VCV004996167.1).